The following is an entry in ClinVar:

ClinVar aggregate classification (germline): Uncertain significance (1 of 4 stars; one submission).

Conditions:
MAP1B-related disorder. Also called: MAP1B-related condition.

Allele frequency attached by ClinVar (database versions not stated): gnomAD exomes 0.00001; gnomAD 0.00002; TOPMed 0.00002.
gnomAD v4.1: 13 of 1,604,750 alleles (0.00081%); highest among the groups gnomAD compares: Admixed American, 0.0017%; no homozygotes.

Submission:

PreventionGenetics, part of Exact Sciences
Classification: Uncertain significance for MAP1B-related condition. Last evaluated: 2023-05-04. Review status: criteria provided, single submitter. Criteria: ACMG Guidelines, 2015. Collection method: clinical testing. Allele origin: germline.
Comment: The MAP1B c.191G>A variant is predicted to result in the amino acid substitution p.Arg64Gln. To our knowledge, this variant has not been reported in the literature. This variant is reported in 0.0028% of alleles in individuals of Latino descent in gnomAD. At this time, the clinical significance of this variant is uncertain due to the absence of conclusive functional and genetic evidence.

NM_005909.5(MAP1B):c.191G>A (p.Arg64Gln)

Gene: MAP1B (microtubule associated protein 1B; plus strand). Cytogenetic location: 5q13.2.
Variant type: single nucleotide variant.
Coding change: c.191G>A on transcript NM_005909.5 (MANE Select); coding-DNA position 191, G replaced by A.
Protein change: p.Arg64Gln; replaces arginine 64 with glutamine.
Molecular consequence: missense variant.
Genome position (GRCh38, 1-based): chr5:72,115,704, G>A. VCF-style: chr5-72115704-G-A. GRCh37 (hg19) VCF-style: chr5-71411531-G-A.
Other names: short protein forms R64Q.
Identifiers: ClinVar variation 2632852 (VCV002632852.1), dbSNP rs1206154060, ClinGen allele CA359988805.